The following is an entry in ClinVar:

NM_004415.4(DSP):c.4016A>T (p.Lys1339Met)

Gene: DSP (desmoplakin; plus strand). Cytogenetic location: 6p24.3.
Variant type: single nucleotide variant.
Coding change: c.4016A>T on transcript NM_004415.4 (MANE Select); coding-DNA position 4016, A replaced by T.
Protein change: p.Lys1339Met; replaces lysine 1339 with methionine.
Molecular consequence: missense variant. On other transcripts: intron variant (1).
Genome position (GRCh38, 1-based): chr6:7,580,206, A>T. VCF-style: chr6-7580206-A-T. GRCh37 (hg19) VCF-style: chr6-7580439-A-T.
Other names: c.4016A>T, p.Lys1339Met (NM_001319034.2); c.3582+434A>T (NM_001008844.3); short protein forms K1339M.
Identifiers: ClinVar variation 2567538 (VCV002567538.2), dbSNP rs1759379431, ClinGen allele CA362685364.

ClinVar aggregate classification (germline): Uncertain significance (1 of 4 stars; one submission).

Conditions:
Cardiovascular phenotype. Identifiers: MedGen CN230736.

Submission:

Ambry Genetics
Classification: Uncertain significance for Cardiovascular phenotype. Last evaluated: 2023-06-01. Review status: criteria provided, single submitter. Criteria: Ambry Variant Classification Scheme 2023. Collection method: clinical testing. Allele origin: germline.
Comment: The p.K1339M variant (also known as c.4016A>T), located in coding exon 23 of the DSP gene, results from an A to T substitution at nucleotide position 4016. The lysine at codon 1339 is replaced by methionine, an amino acid with similar properties. This amino acid position is conserved. In addition, the in silico prediction for this alteration is inconclusive. Since supporting evidence is limited at this time, the clinical significance of this alteration remains unclear.